The following is an entry in ClinVar:

NM_139318.5(KCNH5):c.2885C>T (p.Pro962Leu)

Gene: KCNH5 (potassium voltage-gated channel subfamily H member 5; minus strand). Cytogenetic location: 14q23.2.
Variant type: single nucleotide variant.
Coding change: c.2885C>T on transcript NM_139318.5 (MANE Select); coding-DNA position 2885, C replaced by T.
Protein change: p.Pro962Leu; replaces proline 962 with leucine.
Molecular consequence: missense variant. On other transcripts: 3 prime UTR variant (1).
Genome position (GRCh38, 1-based): chr14:62,707,590, G>A on the plus strand (C>T on the coding strand, the complement: KCNH5 is on the minus strand). VCF-style: chr14-62707590-G-A. GRCh37 (hg19) VCF-style: chr14-63174308-G-A.
Other names: c.*852C>T (NM_172375.3); short protein forms P962L.
Identifiers: ClinVar variation 3671142 (VCV003671142.2).
Genomic context (GRCh38, chr14:62,707,590, plus strand): 5'-TCAGATTCAGGTGATTCAGGCCTTGAGACACTAAAAATATCCTGACATGGTATCTGGGGG[G>A]GTACTTGGAGTGGCATTTGGGATTTGGGAGATGAGGCCTGGGGTACGCTTTTTTCCGACA-3'
Protein context (NP_647479.2, residues 952-972): SPKSQMPLQV[Pro962Leu]PQIPCQDIFS

ClinVar aggregate classification (germline): Uncertain significance (1 of 4 stars; one submission).

Conditions:
Early-infantile DEE. Also called: Ohtahara syndrome; Early infantile epileptic encephalopathy with suppression bursts; Early infantile epileptic encephalopathy. Identifiers: Orphanet 1934, MedGen C0393706, MONDO:0800491.

gnomAD v4.1: 3 of 1,532,948 alleles (0.0002%); highest among the groups gnomAD compares: Admixed American, 0.002%; no homozygotes.

Submission:

Labcorp Genetics (formerly Invitae), Labcorp
Classification: Uncertain significance for Early-infantile DEE. Last evaluated: 2025-10-17. Review status: criteria provided, single submitter. Criteria: Invitae Variant Classification Sherloc (09022015). Collection method: clinical testing. Allele origin: germline.
Comment: This sequence change replaces proline, which is neutral and non-polar, with leucine, which is neutral and non-polar, at codon 962 of the KCNH5 protein (p.Pro962Leu). This variant is not present in population databases (gnomAD no frequency). This variant has not been reported in the literature in individuals affected with KCNH5-related conditions. ClinVar contains an entry for this variant (Variation ID: 3671142). Invitae Evidence Modeling of protein sequence and biophysical properties (such as structural, functional, and spatial information, amino acid conservation, physicochemical variation, residue mobility, and thermodynamic stability) indicates that this missense variant is not expected to disrupt KCNH5 protein function with a negative predictive value of 95%. In summary, the available evidence is currently insufficient to determine the role of this variant in disease. Therefore, it has been classified as a Variant of Uncertain Significance.